The following is an entry in ClinVar:

NM_016816.4(OAS1):c.287G>A (p.Gly96Glu)

Gene: OAS1 (2'-5'-oligoadenylate synthetase 1; plus strand). Cytogenetic location: 12q24.13.
Variant type: single nucleotide variant.
Coding change: c.287G>A on transcript NM_016816.4 (MANE Select); coding-DNA position 287, G replaced by A.
Protein change: p.Gly96Glu; replaces glycine 96 with glutamic acid.
Molecular consequence: missense variant. On other transcripts: non-coding transcript variant (9), intron variant (4).
Genome position (GRCh38, 1-based): chr12:112,908,642, G>A. VCF-style: chr12-112908642-G-A. GRCh37 (hg19) VCF-style: chr12-113346447-G-A.
Other names: c.287G>A, p.Gly96Glu (NM_001032409.3, NM_001320151.2, NM_001406020.1 and 7 more transcripts); c.180+1423G>A (NM_001406030.1, NM_001406029.1, NM_001406027.1 and 1 more transcripts); short protein forms G96E.
Identifiers: ClinVar variation 2692582 (VCV002692582.1), dbSNP rs1248137897, ClinGen allele CA386800311.
Genomic context (GRCh38, chr12:112,908,642, plus strand): 5'-CTGACCTGGTTGTCTTCCTCAGTCCTCTCACCACTTTTCAGGATCAGTTAAATCGCCGGG[G>A]AGAGTTCATCCAGGAAATTAGGAGACAGCTGGAAGCCTGTCAAAGAGAGAGAGCATTTTC-3'
Protein context (NP_058132.2, residues 86-106): TTFQDQLNRR[Gly96Glu]EFIQEIRRQL

ClinVar aggregate classification (germline): Uncertain significance (1 of 4 stars; one submission).

Submission:

Greenwood Genetic Center Diagnostic Laboratories, Greenwood Genetic Center
Classification: Uncertain significance. Last evaluated: 2023-10-03. Review status: criteria provided, single submitter. Criteria: ACMG Guidelines, 2015. Collection method: clinical testing. Allele origin: germline. Affected: yes.
Comment: PM2, BP4